The following is an entry in ClinVar:

ClinVar aggregate classification (germline): Conflicting classifications of pathogenicity. Review status: criteria provided, conflicting classifications (1 of 4 stars). 6 submissions from 6 submitters: Uncertain significance (4); Likely benign (1). 1 of the submissions does not count toward it. Last evaluated 2025-02-14.

Conditions:
Hereditary cancer-predisposing syndrome. Also called: Neoplastic Syndromes, Hereditary; Hereditary Cancer Syndrome; Hereditary neoplastic syndrome; Tumor predisposition. Identifiers: Orphanet 140162, MedGen C0027672, MeSH D009386, MONDO:0015356.
Hereditary breast ovarian cancer syndrome. Also called: Hereditary breast and ovarian cancer syndrome; Hereditary breast and/or ovarian cancer syndrome; BRCA1- and BRCA2-Associated Hereditary Breast and Ovarian Cancer; Hereditary breast and ovarian cancer; Breast and ovarian cancer; Hereditary breast and ovarian cancer syndrome (HBOC). Identifiers: Orphanet 145, MedGen C0677776, MeSH D061325, MONDO:0003582. Disease mechanism: loss of function.
Breast-ovarian cancer, familial, susceptibility to, 2 (BROVCA2). Also called: BRCA2 Hereditary Breast and Ovarian Cancer. Identifiers: Orphanet 145, MedGen C2675520, MONDO:0012933, OMIM 612555. Disease mechanism: loss of function.

Allele frequency attached by ClinVar (database versions not stated): gnomAD exomes below 0.00001.

Submissions (6):

Labcorp Genetics (formerly Invitae), Labcorp
Classification: Uncertain significance for Hereditary breast ovarian cancer syndrome. Last evaluated: 2025-02-14. Review status: criteria provided, single submitter. Criteria: Invitae Variant Classification Sherloc (09022015). Collection method: clinical testing. Allele origin: germline.
Comment: This sequence change replaces serine, which is neutral and polar, with arginine, which is basic and polar, at codon 2705 of the BRCA2 protein (p.Ser2705Arg). This variant is not present in population databases (gnomAD no frequency). This missense change has been observed in individual(s) with high risk of breast and/or ovarian cancer (PMID: 20960228). This variant is also known as c.8343C>G. ClinVar contains an entry for this variant (Variation ID: 141626). Invitae Evidence Modeling incorporating data from in vitro experimental studies (PMID: 33609447) indicates that this missense variant is not expected to disrupt BRCA2 function with a negative predictive value of 95%. Experimental studies have shown that this missense change does not substantially affect BRCA2 function (PMID: 29884841). In summary, the available evidence is currently insufficient to determine the role of this variant in disease. Therefore, it has been classified as a Variant of Uncertain Significance.

All of Us Research Program, National Institutes of Health
Classification: Uncertain significance for Breast-ovarian cancer, familial, susceptibility to, 2. Last evaluated: 2023-08-15. Review status: criteria provided, single submitter. Criteria: ACMG Guidelines, 2015. Collection method: clinical testing. Allele origin: germline. Inheritance: Autosomal dominant inheritance. Observed: 2 variant alleles, 2 heterozygotes.
Comment: This missense variant replaces serine with arginine at codon 2705 of the BRCA2 protein. Computational prediction suggests that this variant may not impact protein structure and function (internally defined REVEL score threshold <= 0.5, PMID: 27666373). A functional study has reported that this variant does not impact BRCA2 function in a homology-directed repair assay (PMID: 29884841). This variant has been detected in a hereditary breast cancer family, however, it does not co-segregate with breast cancer in the carrier family (PMID: 20960228). This variant has not been identified in the general population by the Genome Aggregation Database (gnomAD). Although there is a suspicion that this variant may not be associated with disease, additional studies are necessary to determine the role of this variant in disease conclusively. Therefore, this variant is classified as a Variant of Uncertain Significance.

This study involves interpretation of variants in research participants for the purpose of population health screening. Participant phenotype was not available at the time of variant classification. Additional details can be found in publication PMID: 35346344, PMCID: PMC8962531

Institute for Clinical Genetics, University Hospital TU Dresden, University Hospital TU Dresden
Classification: Uncertain significance. Last evaluated: 2021-11-03. Review status: criteria provided, single submitter. Criteria: ACMG Guidelines, 2015. Collection method: clinical testing. Allele origin: germline.

Color Diagnostics, LLC DBA Color Health
Classification: Uncertain significance for Hereditary cancer-predisposing syndrome. Last evaluated: 2021-09-22. Review status: criteria provided, single submitter. Criteria: ACMG Guidelines, 2015. Collection method: clinical testing. Allele origin: germline.
Comment: This missense variant replaces serine with arginine at codon 2705 of the BRCA2 protein. Computational prediction suggests that this variant may not impact protein structure and function (internally defined REVEL score threshold <= 0.5, PMID: 27666373). A functional study has reported that this variant does not impact BRCA2 function in a homology-directed repair assay (PMID: 29884841). This variant has been detected in a hereditary breast cancer family, however, it does not co-segregate with breast cancer in the carrier family (PMID: 20960228). This variant has not been identified in the general population by the Genome Aggregation Database (gnomAD). Although there is a suspicion that this variant may not be associated with disease, additional studies are necessary to determine the role of this variant in disease conclusively. Therefore, this variant is classified as a Variant of Uncertain Significance.

Ambry Genetics
Classification: Likely benign for Hereditary cancer-predisposing syndrome. Last evaluated: 2019-12-06. Review status: criteria provided, single submitter. Criteria: Ambry Variant Classification Scheme 2023. Collection method: clinical testing. Allele origin: germline.

Counsyl
Classification: Uncertain significance for Breast-ovarian cancer, familial, susceptibility to, 2. Last evaluated: 2015-12-13. Review status: no assertion criteria provided. Collection method: clinical testing. Allele origin: unknown. Not counted in ClinVar's aggregate classification.

Literature cited by the submitters: PubMed 20960228 (cited by 5 submitters); PubMed 33609447 (cited by Labcorp Genetics (formerly Invitae), Labcorp); PubMed 29884841 (cited by 4 submitters).

NM_000059.4(BRCA2):c.8115C>G (p.Ser2705Arg)

Gene: BRCA2 (BRCA2 DNA repair associated; plus strand). Cytogenetic location: 13q13.1.
Variant type: single nucleotide variant.
Coding change: c.8115C>G on transcript NM_000059.4 (MANE Select); coding-DNA position 8115, C replaced by G.
Protein change: p.Ser2705Arg; replaces serine 2705 with arginine.
Molecular consequence: missense variant.
Genome position (GRCh38, 1-based): chr13:32,363,317, C>G. VCF-style: chr13-32363317-C-G. GRCh37 (hg19) VCF-style: chr13-32937454-C-G.
Other names: short protein forms S2705R.
Identifiers: ClinVar variation 141626 (VCV000141626.25), dbSNP rs587781889, ClinGen allele CA025458.